The following is an entry in ClinVar:

NM_015910.7(WDPCP):c.1651T>G (p.Phe551Val)

Gene: WDPCP (WD repeat containing planar cell polarity effector; minus strand). Cytogenetic location: 2p15.
Variant type: single nucleotide variant.
Coding change: c.1651T>G on transcript NM_015910.7 (MANE Select); coding-DNA position 1651, T replaced by G.
Protein change: p.Phe551Val; replaces phenylalanine 551 with valine.
Molecular consequence: missense variant. On other transcripts: non-coding transcript variant (3).
Genome position (GRCh38, 1-based): chr2:63,378,483, A>C on the plus strand (T>G on the coding strand, the complement: WDPCP is on the minus strand). VCF-style: chr2-63378483-A-C. GRCh37 (hg19) VCF-style: chr2-63605618-A-C.
Other names: c.1174T>G, p.Phe392Val (NM_001042692.3); c.1579T>G, p.Phe527Val (NM_001354044.2); c.1651T>G, p.Phe551Val (NM_001354045.2); short protein forms F392V, F551V, F527V.
Identifiers: ClinVar variation 1435381 (VCV001435381.8), dbSNP rs992864301, ClinGen allele CA49230939.

ClinVar aggregate classification (germline): Uncertain significance (1 of 4 stars; one submission).

Conditions:
Bardet-Biedl syndrome (BBS). Identifiers: Orphanet 110, MedGen C0752166, MONDO:0015229.

Allele frequency attached by ClinVar (database versions not stated): gnomAD exomes below 0.00001; TOPMed 0.00001.
gnomAD v4.1: 1 of 1,613,216 alleles (0.000062%); highest among the groups gnomAD compares: African/African-American, 0.0013%; no homozygotes.

Submission:

Labcorp Genetics (formerly Invitae), Labcorp
Classification: Uncertain significance for Bardet-Biedl syndrome. Last evaluated: 2022-01-06. Review status: criteria provided, single submitter. Criteria: Invitae Variant Classification Sherloc (09022015). Collection method: clinical testing. Allele origin: germline.
Comment: In summary, the available evidence is currently insufficient to determine the role of this variant in disease. Therefore, it has been classified as a Variant of Uncertain Significance. Algorithms developed to predict the effect of missense changes on protein structure and function are either unavailable or do not agree on the potential impact of this missense change (SIFT: "Deleterious"; PolyPhen-2: "Probably Damaging"; Align-GVGD: "Class C0"). This variant has not been reported in the literature in individuals affected with WDPCP-related conditions. This variant is not present in population databases (gnomAD no frequency). This sequence change replaces phenylalanine, which is neutral and non-polar, with valine, which is neutral and non-polar, at codon 551 of the WDPCP protein (p.Phe551Val).